The following is an entry in ClinVar:

ClinVar aggregate classification (germline): Uncertain significance (1 of 4 stars; one submission).

Conditions:
Capillary infantile hemangioma. Also called: HEMANGIOMA, HEREDITARY CAPILLARY; Hereditary capillary infantile hemangioma; Hemangioma, capillary infantile, somatic. Identifiers: MedGen C1865871, MONDO:0011191, OMIM 602089.

Allele frequency attached by ClinVar (database versions not stated): gnomAD exomes below 0.00001; TOPMed below 0.00001; ExAC 0.00001.
gnomAD v4.1: 2 of 1,609,352 alleles (0.00012%); highest among the groups gnomAD compares: Admixed American, 0.0033%; no homozygotes.

Submission:

Clinical Genomics Laboratory, Washington University in St. Louis
Classification: Uncertain significance for Capillary infantile hemangioma. Last evaluated: 2023-08-20. Review status: criteria provided, single submitter. Criteria: ACMG Guidelines, 2015. Collection method: clinical testing. Allele origin: germline.
Comment: The KDR c.3663T>C (p.Ser1221=) variant was identified at a near heterozygous allelic fraction. This variant, to our knowledge, has not been reported in the medical literature. The KDR c.3663T>C (p.Ser1221=) variant is absent from the general population (gnomAD v.2.1.1), indicating it is not a common variant. Computational predictors suggest that the variant does not impact KDR function Due to limited information and based on ACMG/AMP guidelines for variant interpretation (Richards S et al., PMID: 25741868), the clinical significance of this variant is uncertain at this time.

NM_002253.4(KDR):c.3663T>C (p.Ser1221=)

Gene: KDR (kinase insert domain receptor; minus strand). Cytogenetic location: 4q12.
Variant type: single nucleotide variant.
Coding change: c.3663T>C on transcript NM_002253.4 (MANE Select); coding-DNA position 3663, T replaced by C.
Protein change: p.Ser1221=; no amino-acid change (serine 1221 retained).
Molecular consequence: synonymous variant.
Genome position (GRCh38, 1-based): chr4:55,082,635, A>G on the plus strand (T>C on the coding strand, the complement: KDR is on the minus strand). VCF-style: chr4-55082635-A-G. GRCh37 (hg19) VCF-style: chr4-55948802-A-G.
Identifiers: ClinVar variation 2672215 (VCV002672215.1), dbSNP rs756332251, ClinGen allele CA2924050.